The following is an entry in ClinVar:

ClinVar aggregate classification (germline): Likely benign (1 of 4 stars; one submission).

Allele frequency attached by ClinVar (database versions not stated): gnomAD exomes below 0.00001.
gnomAD v4.1: 1 of 1,613,896 alleles (0.000062%); highest among the groups gnomAD compares: South Asian, 0.0011%; no homozygotes.

Submission:

GeneDx
Classification: Likely benign. Last evaluated: 2017-06-08. Review status: criteria provided, single submitter. Criteria: GeneDx Variant Classification (06012015). Collection method: clinical testing. Allele origin: germline. Affected: yes.
Comment: This variant is considered likely benign or benign based on one or more of the following criteria: it is a conservative change, it occurs at a poorly conserved position in the protein, it is predicted to be benign by multiple in silico algorithms, and/or has population frequency not consistent with disease.

NM_000136.3(FANCC):c.-6T>G

Gene: FANCC (FA complementation group C; minus strand). Cytogenetic location: 9q22.32.
Variant type: single nucleotide variant.
Coding change: c.-6T>G on transcript NM_000136.3 (MANE Select); 6 bases upstream of the start codon, T replaced by G.
Molecular consequence: 5 prime UTR variant.
Genome position (GRCh38, 1-based): chr9:95,249,297, A>C on the plus strand (T>G on the coding strand, the complement: FANCC is on the minus strand). VCF-style: chr9-95249297-A-C. GRCh37 (hg19) VCF-style: chr9-98011579-A-C.
Other names: c.-6T>G (NM_001243743.2, NM_001243744.2).
Identifiers: ClinVar variation 518016 (VCV000518016.1), dbSNP rs1554858394, ClinGen allele CA658797227.